The following is an entry in ClinVar:

ClinVar aggregate classification (germline): Uncertain significance (1 of 4 stars; one submission).

Conditions:
Familial cancer of breast. Also called: BREAST CANCER, FAMILIAL; hereditary breast carcinoma; Hereditary breast cancer. Identifiers: Orphanet 227535, MedGen C0346153, MONDO:0016419, OMIM 114480. Disease mechanism: loss of function.

Submission:

Labcorp Genetics (formerly Invitae), Labcorp
Classification: Uncertain significance for Familial cancer of breast. Last evaluated: 2022-11-18. Review status: criteria provided, single submitter. Criteria: Invitae Variant Classification Sherloc (09022015). Collection method: clinical testing. Allele origin: germline.
Comment: Algorithms developed to predict the effect of missense changes on protein structure and function (SIFT, PolyPhen-2, Align-GVGD) all suggest that this variant is likely to be tolerated. In summary, the available evidence is currently insufficient to determine the role of this variant in disease. Therefore, it has been classified as a Variant of Uncertain Significance. This variant has not been reported in the literature in individuals affected with PALB2-related conditions. This variant is not present in population databases (gnomAD no frequency). This sequence change replaces glutamine, which is neutral and polar, with arginine, which is basic and polar, at codon 141 of the PALB2 protein (p.Gln141Arg).

NM_024675.4(PALB2):c.422A>G (p.Gln141Arg)

Gene: PALB2 (partner and localizer of BRCA2; minus strand). Cytogenetic location: 16p12.2.
Variant type: single nucleotide variant.
Coding change: c.422A>G on transcript NM_024675.4 (MANE Select); coding-DNA position 422, A replaced by G.
Protein change: p.Gln141Arg; replaces glutamine 141 with arginine.
Molecular consequence: missense variant. On other transcripts: 5 prime UTR variant (8), intron variant (3).
Genome position (GRCh38, 1-based): chr16:23,636,124, T>C on the plus strand (A>G on the coding strand, the complement: PALB2 is on the minus strand). VCF-style: chr16-23636124-T-C. GRCh37 (hg19) VCF-style: chr16-23647445-T-C.
Other names: c.362A>G, p.Gln121Arg (NM_001407296.1); c.422A>G, p.Gln141Arg (NM_001407297.1, NM_001407298.1, NM_001407299.1 and 3 more transcripts); c.-464A>G (NM_001407304.1, NM_001407305.1, NM_001407306.1 and 5 more transcripts); c.48+4986A>G (NM_001407314.1); c.-105+4986A>G (NM_001407313.1, NM_001407312.1); short protein forms Q121R, Q141R.
Identifiers: ClinVar variation 2815053 (VCV002815053.3), dbSNP rs2142443782, ClinGen allele CA395137329.